The following is an entry in ClinVar:

ClinVar aggregate classification (germline): Uncertain significance (1 of 4 stars; one submission).

Submission:

GeneDx
Classification: Uncertain significance. Last evaluated: 2025-02-25. Review status: criteria provided, single submitter. Criteria: GeneDx Variant Classification Process June 2021. Collection method: clinical testing. Allele origin: germline. Affected: yes.
Comment: Not observed at significant frequency in large population cohorts (gnomAD); In silico analysis indicates that this missense variant does not alter protein structure/function; Has not been previously published as pathogenic or benign to our knowledge

NM_001961.4(EEF2):c.35T>C (p.Ile12Thr)

Gene: EEF2 (eukaryotic translation elongation factor 2; minus strand). Cytogenetic location: 19p13.3.
Variant type: single nucleotide variant.
Coding change: c.35T>C on transcript NM_001961.4 (MANE Select); coding-DNA position 35, T replaced by C.
Protein change: p.Ile12Thr; replaces isoleucine 12 with threonine.
Molecular consequence: missense variant.
Genome position (GRCh38, 1-based): chr19:3,984,319, A>G on the plus strand (T>C on the coding strand, the complement: EEF2 is on the minus strand). VCF-style: chr19-3984319-A-G. GRCh37 (hg19) VCF-style: chr19-3984317-A-G.
Other names: short protein forms I12T.
Identifiers: ClinVar variation 4076933 (VCV004076933.1).
Genomic context (GRCh38, chr19:3,984,319, plus strand): 5'-TTGCCATGGTCCACGTGGGCGATGACAGACATGTTGCGGATGTTGGCCTTCTTGTCCATG[A>G]TGGCGCGGATCTGGTCTACCGTGAAGTTCACCTGGGCAAGACAAGGAGGCTCAGACCAGC-3'
Protein context (NP_001952.1, residues 2-22): VNFTVDQIRA[Ile12Thr]MDKKANIRNM